The following is an entry in ClinVar:

NM_002460.4(IRF4):c.1333C>T (p.Arg445Cys)

Gene: IRF4 (interferon regulatory factor 4; plus strand). Cytogenetic location: 6p25.3.
Variant type: single nucleotide variant.
Coding change: c.1333C>T on transcript NM_002460.4 (MANE Select); coding-DNA position 1333, C replaced by T.
Protein change: p.Arg445Cys; replaces arginine 445 with cysteine.
Molecular consequence: missense variant. On other transcripts: non-coding transcript variant (1).
Genome position (GRCh38, 1-based): chr6:407,575, C>T. VCF-style: chr6-407575-C-T. GRCh37 (hg19) VCF-style: chr6-407575-C-T.
Other names: c.1330C>T, p.Arg444Cys (NM_001195286.2); short protein forms R445C, R444C.
Identifiers: ClinVar variation 2181521 (VCV002181521.4), dbSNP rs748516736, ClinGen allele CA3612947.

ClinVar aggregate classification (germline): Uncertain significance (1 of 4 stars; one submission).

Allele frequency attached by ClinVar (database versions not stated): gnomAD 0.00001; gnomAD exomes 0.00001; TOPMed 0.00001; ExAC 0.00002.
gnomAD v4.1: 17 of 1,607,186 alleles (0.0011%); highest among the groups gnomAD compares: East Asian, 0.0089%; no homozygotes.

Submission:

Labcorp Genetics (formerly Invitae), Labcorp
Classification: Uncertain significance. Last evaluated: 2024-01-04. Review status: criteria provided, single submitter. Criteria: Invitae Variant Classification Sherloc (09022015). Collection method: clinical testing. Allele origin: germline.
Comment: This sequence change replaces arginine, which is basic and polar, with cysteine, which is neutral and slightly polar, at codon 445 of the IRF4 protein (p.Arg445Cys). This variant is present in population databases (rs748516736, gnomAD 0.02%). This variant has not been reported in the literature in individuals affected with IRF4-related conditions. ClinVar contains an entry for this variant (Variation ID: 2181521). An algorithm developed to predict the effect of missense changes on protein structure and function (PolyPhen-2) suggests that this variant is likely to be disruptive. In summary, the available evidence is currently insufficient to determine the role of this variant in disease. Therefore, it has been classified as a Variant of Uncertain Significance.